The following is an entry in ClinVar:

NM_001370259.2(MEN1):c.1819C>G (p.Arg607Gly)

Gene: MEN1 (menin 1; minus strand). Cytogenetic location: 11q13.1.
Variant type: single nucleotide variant.
Coding change: c.1819C>G on transcript NM_001370259.2 (MANE Select); coding-DNA position 1819, C replaced by G.
Protein change: p.Arg607Gly; replaces arginine 607 with glycine.
Molecular consequence: missense variant. On other transcripts: non-coding transcript variant (4).
Genome position (GRCh38, 1-based): chr11:64,804,348, G>C on the plus strand (C>G on the coding strand, the complement: MEN1 is on the minus strand). VCF-style: chr11-64804348-G-C. GRCh37 (hg19) VCF-style: chr11-64571820-G-C.
Other names: c.1834C>G, p.Arg612Gly (NM_000244.4, NM_001407145.1, NM_130800.3 and 4 more transcripts); c.1945C>G, p.Arg649Gly (NM_001370251.2, NM_001407142.1, NM_001407143.1 and 1 more transcripts); c.1819C>G, p.Arg607Gly (NM_001370260.2, NM_001370261.2, NM_001407146.1 and 2 more transcripts); c.1714C>G, p.Arg572Gly (NM_001370262.2, NM_001370263.2, NM_001407148.1 and 1 more transcripts); c.1960C>G, p.Arg654Gly (NM_001407150.1); c.1840C>G, p.Arg614Gly (NM_001407151.1); c.1654C>G, p.Arg552Gly (NM_001407152.1); short protein forms R552G, R614G, R654G, R607G, R612G, R649G, R572G.
Identifiers: ClinVar variation 4826519 (VCV004826519.1).

ClinVar aggregate classification (germline): Uncertain significance (1 of 4 stars; one submission).

Conditions:
Hereditary cancer-predisposing syndrome. Also called: Neoplastic Syndromes, Hereditary; Tumor predisposition; Hereditary Cancer Syndrome; Hereditary neoplastic syndrome. Identifiers: Orphanet 140162, MedGen C0027672, MeSH D009386, MONDO:0015356.

Submission:

Ambry Genetics
Classification: Uncertain significance for Hereditary cancer-predisposing syndrome. Last evaluated: 2026-03-08. Review status: criteria provided, single submitter. Criteria: Ambry Variant Classification Scheme 2023. Collection method: clinical testing. Allele origin: germline.
Comment: The p.R607G variant (also known as c.1819C>G), located in coding exon 9 of the MEN1 gene, results from a C to G substitution at nucleotide position 1819. The arginine at codon 607 is replaced by glycine, an amino acid with dissimilar properties. This amino acid position is conserved. In addition, this alteration is predicted to be deleterious by in silico analysis. Based on the available evidence, the clinical significance of this variant remains unclear.